The following is an entry in ClinVar:

NM_013275.6(ANKRD11):c.6600_6601del (p.Ala2201fs)

Gene: ANKRD11 (ankyrin repeat domain 11; minus strand). Cytogenetic location: 16q24.3.
Variant type: Deletion.
Coding change: c.6600_6601del on transcript NM_013275.6 (MANE Select); coding-DNA positions 6600 to 6601, 2 bases deleted (TG; older notation c.6600_6601delTG).
Protein change: p.Ala2201fs; shifts the reading frame from alanine 2201.
Molecular consequence: frameshift variant.
Genome position (GRCh38, 1-based): chr16:89,279,941-89,279,942, CA deleted on the plus strand (TG on the coding strand, the reverse complement: ANKRD11 is on the minus strand). VCF-style (leftmost placement, unchanged base first): chr16-89279940-GCA-G. GRCh37 (hg19) VCF-style: chr16-89346348-GCA-G.
Other names: c.6600_6601del, p.Ala2201fs (NM_001256182.2, NM_001256183.2); short protein forms A2201fs.
Identifiers: ClinVar variation 3256548 (VCV003256548.1).

ClinVar aggregate classification (germline): Pathogenic (1 of 4 stars; one submission).

Conditions:
KBG syndrome (KBGS). Also called: ANKRD11-Related KBG Syndrome. Identifiers: Orphanet 2332, MedGen C0220687, MONDO:0007846, OMIM 148050.

Submission:

Laboratory of Medical Genetics, National & Kapodistrian University of Athens
Classification: Pathogenic for KBG syndrome. Last evaluated: 2024-07-03. Review status: criteria provided, single submitter. Criteria: ACMG Guidelines, 2015. Collection method: clinical testing. Allele origin: de novo. Affected: yes.
Comment: PVS1, PS2, PM2 - The variant is expected to lead to a loss of protein function. It is not present in population databases (gnomAD no frequency). The variant was detected de novo (paternity confirmed).